The following is an entry in ClinVar:

ClinVar aggregate classification (germline): Uncertain significance (1 of 4 stars; one submission).

Conditions:
Inborn genetic diseases. Identifiers: MedGen C0950123, MeSH D030342.

Submission:

Ambry Genetics
Classification: Uncertain significance for Inborn genetic diseases. Last evaluated: 2026-08-31. Review status: criteria provided, single submitter. Criteria: Ambry Variant Classification Scheme 2023. Collection method: clinical testing. Allele origin: germline.
Comment: The p.K961E variant (also known as c.2881A>G), located in coding exon 24 of the ANKRD26 gene, results from an A to G substitution at nucleotide position 2881. The lysine at codon 961 is replaced by glutamic acid, an amino acid with similar properties. This amino acid position is conserved. In addition, this alteration is predicted to be tolerated by in silico analysis. Based on the available evidence, the clinical significance of this variant remains unclear.

NM_014915.3(ANKRD26):c.2881A>G (p.Lys961Glu)

Gene: ANKRD26 (ankyrin repeat domain 26; minus strand). Cytogenetic location: 10p12.1.
Variant type: single nucleotide variant.
Coding change: c.2881A>G on transcript NM_014915.3 (MANE Select); coding-DNA position 2881, A replaced by G.
Protein change: p.Lys961Glu; replaces lysine 961 with glutamic acid.
Molecular consequence: missense variant.
Genome position (GRCh38, 1-based): chr10:27,035,569, T>C on the plus strand (A>G on the coding strand, the complement: ANKRD26 is on the minus strand). VCF-style: chr10-27035569-T-C. GRCh37 (hg19) VCF-style: chr10-27324498-T-C.
Other names: c.2878A>G, p.Lys960Glu (NM_001256053.2); short protein forms K960E, K961E.
Identifiers: ClinVar variation 5023736 (VCV005023736.1).